The following is an entry in ClinVar:

ClinVar aggregate classification (germline): Likely benign (1 of 4 stars; one submission).

Submission:

GeneDx
Classification: Likely benign. Last evaluated: 2018-04-25. Review status: criteria provided, single submitter. Criteria: GeneDx Variant Classification (06012015). Collection method: clinical testing. Allele origin: germline. Affected: yes.
Comment: This variant is considered likely benign or benign based on one or more of the following criteria: it is a conservative change, it occurs at a poorly conserved position in the protein, it is predicted to be benign by multiple in silico algorithms, and/or has population frequency not consistent with disease.

NM_006231.4(POLE):c.6532-4C>G

Gene: POLE (DNA polymerase epsilon, catalytic subunit; minus strand). Cytogenetic location: 12q24.33.
Variant type: single nucleotide variant.
Coding change: c.6532-4C>G on transcript NM_006231.4 (MANE Select); 4 bases into the intron before coding-DNA position 6532, C replaced by G.
Molecular consequence: intron variant.
Genome position (GRCh38, 1-based): chr12:132,625,774, G>C on the plus strand (C>G on the coding strand, the complement: POLE is on the minus strand). VCF-style: chr12-132625774-G-C. GRCh37 (hg19) VCF-style: chr12-133202360-G-C.
Identifiers: ClinVar variation 682561 (VCV000682561.1), dbSNP rs769080253, ClinGen allele CA915946787.